The following is an entry in ClinVar:

ClinVar aggregate classification (germline): Conflicting classifications of pathogenicity. Review status: criteria provided, conflicting classifications (1 of 4 stars). 14 submissions from 14 submitters: Uncertain significance (2); Likely benign (10). 2 of the submissions do not count toward it. Last evaluated 2026-10-09.

Conditions:
Familial hypercholesterolemia. Also called: Familial hypercholesterolaemia; Familial hypercholesterolemias. Identifiers: MedGen C0020445, MONDO:0005439.
Hypercholesterolemia, familial, 1. Also called: LDL RECEPTOR DISORDER; Hyperlipoproteinemia Type IIa; HYPER-LOW-DENSITY-LIPOPROTEINEMIA; HYPERCHOLESTEROLEMIC XANTHOMATOSIS, FAMILIAL; Fredrickson type IIa hyperlipoproteinemia; Hyperlipoproteinemia type 2. Identifiers: Orphanet 391665, MedGen C0745103, MONDO:0007750, OMIM 143890.
Cardiovascular phenotype. Identifiers: MedGen CN230736.
Hypercholesterolemia, autosomal dominant, type B (FHCL2). Also called: Familial hypercholesterolemia 2; APOB-Related Familial Hypercholesterolemia, Autosomal Dominant; APOLIPOPROTEIN B-100, FAMILIAL DEFECTIVE; APOLIPOPROTEIN B-100, FAMILIAL LIGAND-DEFECTIVE; Familial Hypercholesterolemia Type B; HYPERCHOLESTEROLEMIA, FAMILIAL, DUE TO LIGAND-DEFECTIVE APOLIPOPROTEIN B. Identifiers: MedGen C1704417, MONDO:0007751, OMIM 144010.
Familial hypobetalipoproteinemia 1. Also called: APOB-Related Familial Hypobetalipoproteinemia; Hypobetalipoproteinemia, normotriglyceridemic; Acanthocytosis with hypobetalipoproteinemia. Identifiers: MedGen C4551990, MONDO:0014252, OMIM 615558.

Allele frequency attached by ClinVar (database versions not stated): TOPMed 0.00030; gnomAD 0.00031 and 0.00034; gnomAD exomes 0.00035 and 0.00048; ExAC 0.00037; ESP Exome Variant Server 0.00054.

Submissions (14):

Cambridge Genomics Laboratory, East Genomic Laboratory Hub, NHS Genomic Medicine Service
Classification: Uncertain significance for Familial hypercholesterolaemia. Last evaluated: 2026-10-09. Review status: criteria provided, single submitter. Criteria: ACGS Best Practice Guidelines for Variant Classification in Rare Disease 2020. Collection method: clinical testing. Allele origin: germline. Affected: yes.

Labcorp Genetics (formerly Invitae), Labcorp
Classification: Likely benign for Familial hypobetalipoproteinemia 1; Hypercholesterolemia, autosomal dominant, type B. Last evaluated: 2026-01-26. Review status: criteria provided, single submitter. Criteria: Invitae Variant Classification Sherloc (09022015). Collection method: clinical testing. Allele origin: germline.

CeGaT Center for Human Genetics Tuebingen
Classification: Likely benign. Last evaluated: 2025-04-01. Review status: criteria provided, single submitter. Criteria: CeGaT Center For Human Genetics Tuebingen Variant Classification Criteria Version 2. Collection method: clinical testing. Allele origin: germline. Affected: yes. Observed: 4 variant alleles.
Comment: APOB: BP4, BP7

Laboratory of Genetics, Children's Clinical University Hospital Latvia
Classification: Likely benign. Last evaluated: 2025-02-16. Review status: criteria provided, single submitter. Criteria: ACMG Guidelines, 2015. Collection method: clinical testing. Allele origin: germline. Affected: yes.

Blueprint Genetics
Classification: Likely benign. Last evaluated: 2024-11-18. Review status: criteria provided, single submitter. Criteria: ACMG Guidelines, 2015. Collection method: clinical testing. Allele origin: germline.

Mayo Clinic Laboratories, Mayo Clinic
Classification: Likely benign. Last evaluated: 2024-11-12. Review status: criteria provided, single submitter. Criteria: ACMG Guidelines, 2015. Collection method: clinical testing. Allele origin: germline. Observed: 2 variant alleles.
Comment: BS1, BP4, BP7

GENinCode PLC
Classification: Likely benign for Familial hypercholesterolemia. Last evaluated: 2023-08-04. Review status: criteria provided, single submitter. Criteria: ACMG Guidelines, 2015. Collection method: clinical testing. Allele origin: germline.
Comment: This is a synonymous (silent) variant that is not predicted by SpliceAI to impact splicing. In addition, it occurs at a nucleotide that is not conserved. Therefore this variant has been classified as Likely Benign (BP4, BP7).

Ambry Genetics
Classification: Likely benign for Cardiovascular phenotype. Last evaluated: 2023-06-26. Review status: criteria provided, single submitter. Criteria: Ambry Variant Classification Scheme 2023. Collection method: clinical testing. Allele origin: germline.

Molecular Diagnostic Laboratory for Inherited Cardiovascular Disease, Montreal Heart Institute
Classification: Likely benign. Last evaluated: 2020-03-17. Review status: criteria provided, single submitter. Criteria: ACMG Guidelines, 2015. Collection method: clinical testing. Allele origin: germline. Affected: yes.

GeneDx
Classification: Likely benign. Last evaluated: 2020-03-13. Review status: criteria provided, single submitter. Criteria: GeneDx Variant Classification Process June 2021. Collection method: clinical testing. Allele origin: germline. Affected: yes.
Comment: This variant is associated with the following publications: (PMID: 28475941)

Quest Diagnostics Nichols Institute San Juan Capistrano
Classification: Likely benign. Last evaluated: 2019-01-10. Review status: criteria provided, single submitter. Criteria: Quest Diagnostics criteria. Collection method: clinical testing. Allele origin: germline.

Fundacion Hipercolesterolemia Familiar
Classification: Uncertain significance for Familial hypercholesterolemia. Last evaluated: 2016-03-01. Review status: criteria provided, single submitter. Criteria: ACMG Guidelines, 2015. Collection method: research. Allele origin: germline. Study: SAFEHEART.

Clinical Genetics, Academic Medical Center
Classification: Benign. Review status: no assertion criteria provided. Collection method: clinical testing. Allele origin: germline. Affected: yes. Study: VKGL Data-share Consensus. Not counted in ClinVar's aggregate classification.

Diagnostic Laboratory, Department of Genetics, University Medical Center Groningen
Classification: Likely benign. Review status: no assertion criteria provided. Collection method: clinical testing. Allele origin: germline. Affected: yes. Study: VKGL Data-share Consensus. Not counted in ClinVar's aggregate classification.

Literature cited by the submitters: PubMed 28475941 (cited by Mayo Clinic Laboratories, Mayo Clinic and Quest Diagnostics Nichols Institute San Juan Capistrano).

NM_000384.3(APOB):c.2853G>A (p.Glu951=)

Gene: APOB (apolipoprotein B; minus strand). Cytogenetic location: 2p24.1.
Variant type: single nucleotide variant.
Coding change: c.2853G>A on transcript NM_000384.3 (MANE Select); coding-DNA position 2853, G replaced by A.
Protein change: p.Glu951=; no amino-acid change (glutamic acid 951 retained).
Molecular consequence: synonymous variant.
Genome position (GRCh38, 1-based): chr2:21,019,869, C>T on the plus strand (G>A on the coding strand, the complement: APOB is on the minus strand). VCF-style: chr2-21019869-C-T. GRCh37 (hg19) VCF-style: chr2-21242741-C-T.
Other names: p.Glu951=.
Identifiers: ClinVar variation 334163 (VCV000334163.74), dbSNP rs151193347, ClinGen allele CA057399.